The following is an entry in ClinVar:

ClinVar aggregate classification (germline): Uncertain significance (1 of 4 stars; one submission).

Conditions:
Fanconi anemia (FA). Also called: Fanconi's anemia. Identifiers: Orphanet 84, MedGen C0015625, MeSH D005199, MONDO:0019391.

Allele frequency attached by ClinVar (database versions not stated): gnomAD exomes below 0.00001.
gnomAD v4.1: 4 of 1,614,142 alleles (0.00025%); highest among the groups gnomAD compares: Non-Finnish European, 0.00017%; no homozygotes.

Submission:

Labcorp Genetics (formerly Invitae), Labcorp
Classification: Uncertain significance for Fanconi anemia. Last evaluated: 2021-08-05. Review status: criteria provided, single submitter. Criteria: Invitae Variant Classification Sherloc (09022015). Collection method: clinical testing. Allele origin: germline.
Comment: Algorithms developed to predict the effect of missense changes on protein structure and function are either unavailable or do not agree on the potential impact of this missense change (SIFT: "Tolerated"; PolyPhen-2: "Possibly Damaging"; Align-GVGD: "Class C0"). This variant has not been reported in the literature in individuals affected with SLX4-related conditions. This variant is not present in population databases (ExAC no frequency). This sequence change replaces glycine with glutamic acid at codon 1650 of the SLX4 protein (p.Gly1650Glu). The glycine residue is moderately conserved and there is a moderate physicochemical difference between glycine and glutamic acid. In summary, the available evidence is currently insufficient to determine the role of this variant in disease. Therefore, it has been classified as a Variant of Uncertain Significance.

NM_032444.4(SLX4):c.4949G>A (p.Gly1650Glu)

Gene: SLX4 (SLX4 structure-specific endonuclease subunit; minus strand). Cytogenetic location: 16p13.3.
Variant type: single nucleotide variant.
Coding change: c.4949G>A on transcript NM_032444.4 (MANE Select); coding-DNA position 4949, G replaced by A.
Protein change: p.Gly1650Glu; replaces glycine 1650 with glutamic acid.
Molecular consequence: missense variant.
Genome position (GRCh38, 1-based): chr16:3,583,301, C>T on the plus strand (G>A on the coding strand, the complement: SLX4 is on the minus strand). VCF-style: chr16-3583301-C-T. GRCh37 (hg19) VCF-style: chr16-3633302-C-T.
Other names: short protein forms G1650E.
Identifiers: ClinVar variation 1491692 (VCV001491692.6), dbSNP rs1567166441, ClinGen allele CA394515051.